The following is an entry in ClinVar:

NM_007294.4(BRCA1):c.5332+19C>G

Gene: BRCA1 (BRCA1 DNA repair associated; minus strand). Cytogenetic location: 17q21.31.
Variant type: single nucleotide variant.
Coding change: c.5332+19C>G on transcript NM_007294.4 (MANE Select); 19 bases into the intron after coding-DNA position 5332, C replaced by G.
Molecular consequence: intron variant.
Genome position (GRCh38, 1-based): chr17:43,051,044, G>C on the plus strand (C>G on the coding strand, the complement: BRCA1 is on the minus strand). VCF-style: chr17-43051044-G-C. GRCh37 (hg19) VCF-style: chr17-41203061-G-C.
Other names: c.1879+19C>G (NM_001408458.1, NM_001408461.1, NM_001408464.1 and 7 more transcripts); c.4441+19C>G (NM_001407967.1); c.4951+19C>G (NM_001407959.1); c.5065+19C>G (NM_001407931.1, NM_001407932.1, NM_001407928.1 and 4 more transcripts); c.5188+19C>G (NM_001407747.1, NM_001407745.1, NM_001407737.1 and 21 more transcripts); c.4948+19C>G (NM_001407962.1, NM_001407960.1); c.1519+19C>G (NM_001408512.1); c.1642+19C>G (NM_001408510.1); and 74 more.
Identifiers: ClinVar variation 389458 (VCV000389458.15), dbSNP rs774813458, ClinGen allele CA16607656.

ClinVar aggregate classification (germline): Likely benign. Review status: criteria provided, multiple submitters, no conflicts (2 of 4 stars). 2 submissions from 2 submitters: Likely benign (2). Last evaluated 2026-01-26.

Conditions:
Hereditary breast ovarian cancer syndrome. Also called: Hereditary breast and ovarian cancer syndrome; Breast and ovarian cancer; Hereditary breast and ovarian cancer syndrome (HBOC); Hereditary breast and/or ovarian cancer syndrome; BRCA1- and BRCA2-Associated Hereditary Breast and Ovarian Cancer; Hereditary breast and ovarian cancer. Identifiers: Orphanet 145, MedGen C0677776, MeSH D061325, MONDO:0003582. Disease mechanism: loss of function.

gnomAD v4.1: 7 of 1,611,438 alleles (0.00043%); highest among the groups gnomAD compares: Non-Finnish European, 0.00059%; no homozygotes.

Submissions (3):

Labcorp Genetics (formerly Invitae), Labcorp
Classification: Likely benign for Hereditary breast ovarian cancer syndrome. Last evaluated: 2026-01-26. Review status: criteria provided, single submitter. Criteria: Invitae Variant Classification Sherloc (09022015). Collection method: clinical testing. Allele origin: germline.

GeneDx
Classification: Likely benign. Last evaluated: 2016-09-19. Review status: criteria provided, single submitter. Criteria: GeneDx Variant Classification (06012015). Collection method: clinical testing. Allele origin: germline. Affected: yes.
Comment: This variant is considered likely benign or benign based on one or more of the following criteria: it is a conservative change, it occurs at a poorly conserved position in the protein, it is predicted to be benign by multiple in silico algorithms, and/or has population frequency not consistent with disease.

Brotman Baty Institute, University of Washington
No classification provided (evidence only). Condition: Breast-ovarian cancer, familial 1. Review status: no classification provided. Collection method: in vitro. Allele origin: not applicable. Functional consequence: functionally_normal. Not counted in ClinVar's aggregate classification.
ClinVar note: "not provided" was previously submitted as the classification for the variant. However, the classification appeared to be based only on an observation of functional data so it was converted to no classification on 2025-07-30.